The following is an entry in ClinVar:

ClinVar aggregate classification (germline): Uncertain significance (1 of 4 stars; one submission).

Conditions:
Nephronophthisis. Also called: Juvenile Nephronophthisis. Identifiers: Orphanet 655, MedGen C0687120, MONDO:0019005, HP:0000090.

Submission:

Labcorp Genetics (formerly Invitae), Labcorp
Classification: Uncertain significance for Nephronophthisis. Last evaluated: 2022-10-17. Review status: criteria provided, single submitter. Criteria: Invitae Variant Classification Sherloc (09022015). Collection method: clinical testing. Allele origin: germline.
Comment: This variant is not present in population databases (gnomAD no frequency). This variant has not been reported in the literature in individuals affected with IQCB1-related conditions. Algorithms developed to predict the effect of missense changes on protein structure and function (SIFT, PolyPhen-2, Align-GVGD) all suggest that this variant is likely to be disruptive. In summary, the available evidence is currently insufficient to determine the role of this variant in disease. Therefore, it has been classified as a Variant of Uncertain Significance. This sequence change replaces aspartic acid, which is acidic and polar, with histidine, which is basic and polar, at codon 212 of the IQCB1 protein (p.Asp212His).

NM_001023570.4(IQCB1):c.634G>C (p.Asp212His)

Gene: IQCB1 (IQ motif containing B1; minus strand). Cytogenetic location: 3q13.33.
Variant type: single nucleotide variant.
Coding change: c.634G>C on transcript NM_001023570.4 (MANE Select); coding-DNA position 634, G replaced by C.
Protein change: p.Asp212His; replaces aspartic acid 212 with histidine.
Molecular consequence: missense variant. On other transcripts: non-coding transcript variant (1), intron variant (1).
Genome position (GRCh38, 1-based): chr3:121,799,328, C>G on the plus strand (G>C on the coding strand, the complement: IQCB1 is on the minus strand). VCF-style: chr3-121799328-C-G. GRCh37 (hg19) VCF-style: chr3-121518175-C-G.
Other names: c.634G>C, p.Asp212His (NM_001319107.2); c.587+8016G>C (NM_001023571.4); short protein forms D212H.
Identifiers: ClinVar variation 2073313 (VCV002073313.4), dbSNP rs2472432965, ClinGen allele CA354101998.